The following is an entry in ClinVar:

ClinVar aggregate classification (germline): Benign (1 of 4 stars; one submission).

Conditions:
Hypogonadotropic hypogonadism 5 with or without anosmia (KAL5). Also called: HYPOGONADOTROPIC HYPOGONADISM 5 WITH ANOSMIA; HYPOGONADOTROPHIC HYPOGONADISM 5 WITHOUT ANOSMIA; CHD7-Related GnRH Deficiency (Kallmann Syndrome 5). Identifiers: Orphanet 478, MedGen C3552553, MONDO:0012880, OMIM 612370. Disease mechanism: loss of function.

Allele frequency attached by ClinVar (database versions not stated): gnomAD 0.00052; TOPMed 0.00052; 1000 Genomes Project 0.00060; 1000 Genomes Project 30x 0.00062; gnomAD exomes 0.00081.
gnomAD v4.1: 894 of 1,172,850 alleles (0.076%); highest among the groups gnomAD compares: Non-Finnish European, 0.099%; 1 homozygote.

Submission:

Illumina Laboratory Services, Illumina
Classification: Benign for Kallmann Syndrome 5. Last evaluated: 2018-01-13. Review status: criteria provided, single submitter. Criteria: ICSL Variant Classification Criteria 13 December 2019. Collection method: clinical testing. Allele origin: germline.
Comment: This variant was observed in the ICSL laboratory as part of a predisposition screen in an ostensibly healthy population. It had not been previously curated by ICSL or reported in the Human Gene Mutation Database (HGMD: prior to June 1st, 2018), and was therefore a candidate for classification through an automated scoring system. Utilizing variant allele frequency, disease prevalence and penetrance estimates, and inheritance mode, an automated score was calculated to assess if this variant is too frequent to cause the disease. Based on the score and internal cut-off values, a variant classified as benign is not then subjected to further curation. The score for this variant resulted in a classification of benign for this disease.

NM_017780.4(CHD7):c.*96C>A

Gene: CHD7 (chromodomain helicase DNA binding protein 7; plus strand). Cytogenetic location: 8q12.2.
Variant type: single nucleotide variant.
Coding change: c.*96C>A on transcript NM_017780.4 (MANE Select); 96 bases downstream of the stop codon, C replaced by A.
Molecular consequence: 3 prime UTR variant.
Genome position (GRCh38, 1-based): chr8:60,866,029, C>A. VCF-style: chr8-60866029-C-A. GRCh37 (hg19) VCF-style: chr8-61778588-C-A.
Other names: c.*96C>A (NM_001316690.1).
Identifiers: ClinVar variation 363490 (VCV000363490.5), dbSNP rs193154029, ClinGen allele CA10631395.